The following is an entry in ClinVar:

NM_000334.4(SCN4A):c.5029C>G (p.Leu1677Val)

Genes: GH-LCR (growth hormone locus control region; plus strand), SCN4A (sodium voltage-gated channel alpha subunit 4; minus strand). Cytogenetic location: 17q23.3.
Variant type: single nucleotide variant.
Coding change: c.5029C>G on transcript NM_000334.4 (MANE Select); coding-DNA position 5029, C replaced by G.
Protein change: p.Leu1677Val; replaces leucine 1677 with valine.
Molecular consequence: missense variant.
Genome position (GRCh38, 1-based): chr17:63,941,253, G>C on the plus strand (C>G on the coding strand, the complement: SCN4A is on the minus strand). VCF-style: chr17-63941253-G-C. GRCh37 (hg19) VCF-style: chr17-62018613-G-C.
Other names: short protein forms L1677V.
Identifiers: ClinVar variation 4747004 (VCV004747004.1).

ClinVar aggregate classification (germline): Uncertain significance (1 of 4 stars; one submission).

Conditions:
Hyperkalemic periodic paralysis. Also called: Familial hyperkalemic periodic paralysis; Gamstorp disease. Identifiers: Orphanet 682, MedGen C0238357, MONDO:0008224, OMIM 170500, HP:0007215.

Submission:

Labcorp Genetics (formerly Invitae), Labcorp
Classification: Uncertain significance for Hyperkalemic periodic paralysis. Last evaluated: 2025-07-21. Review status: criteria provided, single submitter. Criteria: Invitae Variant Classification Sherloc (09022015). Collection method: clinical testing. Allele origin: germline.
Comment: This sequence change replaces leucine, which is neutral and non-polar, with valine, which is neutral and non-polar, at codon 1677 of the SCN4A protein (p.Leu1677Val). This variant is not present in population databases (gnomAD no frequency). This variant has not been reported in the literature in individuals affected with SCN4A-related conditions. Invitae Evidence Modeling of protein sequence and biophysical properties (such as structural, functional, and spatial information, amino acid conservation, physicochemical variation, residue mobility, and thermodynamic stability) indicates that this missense variant is not expected to disrupt SCN4A protein function with a negative predictive value of 95%. In summary, the available evidence is currently insufficient to determine the role of this variant in disease. Therefore, it has been classified as a Variant of Uncertain Significance.